The following is an entry in ClinVar:

NM_007194.4(CHEK2):c.1267G>T (p.Gly423Trp)

Gene: CHEK2 (checkpoint kinase 2; minus strand). Cytogenetic location: 22q12.1.
Variant type: single nucleotide variant.
Coding change: c.1267G>T on transcript NM_007194.4 (MANE Select); coding-DNA position 1267, G replaced by T.
Protein change: p.Gly423Trp; replaces glycine 423 with tryptophan.
Molecular consequence: missense variant.
Genome position (GRCh38, 1-based): chr22:28,695,235, C>A on the plus strand (G>T on the coding strand, the complement: CHEK2 is on the minus strand). VCF-style: chr22-28695235-C-A. GRCh37 (hg19) VCF-style: chr22-29091223-C-A.
Other names: p.G423W:GGG>TGG; c.1396G>T, p.Gly466Trp (NM_001005735.3); c.604G>T, p.Gly202Trp (NM_001257387.3); c.1066G>T, p.Gly356Trp (NM_001349956.3); c.1180G>T, p.Gly394Trp (NM_145862.3); short protein forms G423W, G466W, G202W, G356W, G394W.
Identifiers: ClinVar variation 182437 (VCV000182437.13), dbSNP rs730881691, ClinGen allele CA299086.

ClinVar aggregate classification (germline): Uncertain significance. Review status: criteria provided, multiple submitters, no conflicts (2 of 4 stars). 3 submissions from 3 submitters: Uncertain significance (3). Last evaluated 2025-02-05.

Conditions:
Familial cancer of breast. Also called: BREAST CANCER, FAMILIAL; Hereditary breast cancer; hereditary breast carcinoma. Identifiers: Orphanet 227535, MedGen C0346153, MONDO:0016419, OMIM 114480. Disease mechanism: loss of function.
Hereditary cancer-predisposing syndrome. Also called: Tumor predisposition; Hereditary Cancer Syndrome; Hereditary neoplastic syndrome; Neoplastic Syndromes, Hereditary. Identifiers: Orphanet 140162, MedGen C0027672, MeSH D009386, MONDO:0015356.

Submissions (3):

Ambry Genetics
Classification: Uncertain significance for Hereditary cancer-predisposing syndrome. Last evaluated: 2025-02-05. Review status: criteria provided, single submitter. Criteria: Ambry Variant Classification Scheme 2023. Collection method: clinical testing. Allele origin: germline.
Comment: The p.G423W variant (also known as c.1267G>T), located in coding exon 11 of the CHEK2 gene, results from a G to T substitution at nucleotide position 1267. The glycine at codon 423 is replaced by tryptophan, an amino acid with highly dissimilar properties. This amino acid position is highly conserved in available vertebrate species. In addition, this alteration is predicted to be deleterious by in silico analysis. Based on the available evidence, the clinical significance of this variant remains unclear.

Labcorp Genetics (formerly Invitae), Labcorp
Classification: Uncertain significance for Familial cancer of breast. Last evaluated: 2025-01-31. Review status: criteria provided, single submitter. Criteria: Invitae Variant Classification Sherloc (09022015). Collection method: clinical testing. Allele origin: germline.
Comment: This sequence change replaces glycine, which is neutral and non-polar, with tryptophan, which is neutral and slightly polar, at codon 423 of the CHEK2 protein (p.Gly423Trp). This variant is not present in population databases (gnomAD no frequency). This variant has not been reported in the literature in individuals affected with CHEK2-related conditions. ClinVar contains an entry for this variant (Variation ID: 182437). An algorithm developed to predict the effect of missense changes on protein structure and function (PolyPhen-2) suggests that this variant is likely to be disruptive. In summary, the available evidence is currently insufficient to determine the role of this variant in disease. Therefore, it has been classified as a Variant of Uncertain Significance.

GeneDx
Classification: Uncertain significance. Last evaluated: 2017-02-10. Review status: criteria provided, single submitter. Criteria: GeneDx Variant Classification (06012015). Collection method: clinical testing. Allele origin: germline. Affected: yes.
Comment: This variant is denoted CHEK2 c.1267G>T at the cDNA level, p.Gly423Trp (G423W) at the protein level, and results in the change of a Glycine to a Tryptophan (GGG>TGG). This variant has not, to our knowledge, been published in the literature as pathogenic or benign. CHEK2 Gly423Trp was not observed in approximately 6,500 individuals of European and African American ancestry in the NHLBI Exome Sequencing Project, indicating it is not a common benign variant in these populations. Since Glycine and Tryptophan differ in some properties, this is considered a semi-conservative amino acid substitution. CHEK2 Gly423Trp occurs at a position that is highly conserved across species and is not located in a known functional domain. In silico analyses predict that this variant is probably damaging to protein structure and function. Based on currently available information, it is unclear whether CHEK2 Gly423Trp is pathogenic or benign. We consider it to be a variant of uncertain significance.